The following is an entry in ClinVar:

NM_001845.6(COL4A1):c.270del (p.Thr92fs)

Gene: COL4A1 (collagen type IV alpha 1 chain; minus strand). Cytogenetic location: 13q34.
Variant type: Deletion.
Coding change: c.270del on transcript NM_001845.6 (MANE Select); coding-DNA position 270, one base deleted (A; older notation c.270delA).
Protein change: p.Thr92fs; shifts the reading frame from threonine 92.
Molecular consequence: frameshift variant.
Genome position (GRCh38, 1-based): chr13:110,213,791, T deleted on the plus strand (A on the coding strand, the reverse complement: COL4A1 is on the minus strand); the first of 4 consecutive T bases (chr13:110,213,791-110,213,794); deleting any one gives the same sequence. VCF-style (leftmost placement, unchanged base first): chr13-110213790-CT-C. GRCh37 (hg19) VCF-style: chr13-110866137-CT-C.
Other names: c.270del, p.Thr92fs (NM_001303110.2); short protein forms T92fs.
Identifiers: ClinVar variation 4232255 (VCV004232255.1).

ClinVar aggregate classification (germline): Pathogenic (1 of 4 stars; one submission).

Conditions:
Inborn genetic diseases. Identifiers: MedGen C0950123, MeSH D030342.

Submission:

Ambry Genetics
Classification: Pathogenic for Inborn genetic diseases. Last evaluated: 2025-07-21. Review status: criteria provided, single submitter. Criteria: Ambry Variant Classification Scheme 2023. Collection method: clinical testing. Allele origin: germline.
Comment: The c.270delA (p.T92Qfs*64) alteration, located in exon 4 (coding exon 4) of the COL4A1 gene, consists of a deletion of one nucleotide at position 270, causing a translational frameshift with a predicted alternate stop codon after 64 amino acids. This alteration is expected to result in loss of function by premature protein truncation or nonsense-mediated mRNA decay. This variant was not reported in population-based cohorts in the Genome Aggregation Database (gnomAD). Based on the available evidence, this alteration is classified as pathogenic.